The following is an entry in ClinVar:

ClinVar aggregate classification (germline): Uncertain significance (1 of 4 stars; one submission).

Submission:

GeneDx
Classification: Uncertain significance. Last evaluated: 2025-06-27. Review status: criteria provided, single submitter. Criteria: GeneDx Variant Classification Process June 2021. Collection method: clinical testing. Allele origin: germline. Affected: yes.
Comment: Not observed at significant frequency in large population cohorts (gnomAD); In silico analysis supports that this missense variant has a deleterious effect on protein structure/function; Has not been previously published as pathogenic or benign to our knowledge

NM_001127222.2(CACNA1A):c.3266G>A (p.Gly1089Asp)

Gene: CACNA1A (calcium voltage-gated channel subunit alpha1 A; minus strand). Cytogenetic location: 19p13.13.
Variant type: single nucleotide variant.
Coding change: c.3266G>A on transcript NM_001127222.2 (MANE Select); coding-DNA position 3266, G replaced by A.
Protein change: p.Gly1089Asp; replaces glycine 1089 with aspartic acid.
Molecular consequence: missense variant.
Genome position (GRCh38, 1-based): chr19:13,286,790, C>T on the plus strand (G>A on the coding strand, the complement: CACNA1A is on the minus strand). VCF-style: chr19-13286790-C-T. GRCh37 (hg19) VCF-style: chr19-13397604-C-T.
Other names: c.3278G>A, p.Gly1093Asp (NM_000068.4, NM_023035.3); c.3269G>A, p.Gly1090Asp (NM_001127221.2, NM_001174080.2); short protein forms G1089D, G1090D, G1093D.
Identifiers: ClinVar variation 3371195 (VCV003371195.2).